The following is an entry in ClinVar:

ClinVar aggregate classification (germline): Uncertain significance. Review status: criteria provided, single submitter (1 of 4 stars). 2 submissions from 2 submitters: Uncertain significance (1). 1 of the submissions does not count toward it. Last evaluated 2025-09-10.

Conditions:
PDZD2-related disorder. Also called: PDZD2-related condition.

Allele frequency attached by ClinVar (database versions not stated): 1000 Genomes Project 30x 0.00203; 1000 Genomes Project 0.00240; TOPMed 0.00261; ESP Exome Variant Server 0.00308.
gnomAD v4.1: 616 of 1,613,880 alleles (0.038%); highest among the groups gnomAD compares: African/African-American, 0.76%; 5 homozygotes.

Submissions (2):

Ambry Genetics
Classification: Uncertain significance. Last evaluated: 2025-09-10. Review status: criteria provided, single submitter. Criteria: Ambry Variant Classification Scheme 2023. Collection method: clinical testing. Allele origin: germline.

PreventionGenetics, part of Exact Sciences
Classification: Benign for PDZD2-related condition. Last evaluated: 2019-05-01. Review status: no assertion criteria provided. Collection method: clinical testing. Allele origin: germline. Not counted in ClinVar's aggregate classification.
Comment: This variant is classified as benign based on ACMG/AMP sequence variant interpretation guidelines (Richards et al. 2015 PMID: 25741868, with internal and published modifications).

NM_178140.4(PDZD2):c.7114C>G (p.Arg2372Gly)

Gene: PDZD2 (PDZ domain containing 2; plus strand). Cytogenetic location: 5p13.3.
Variant type: single nucleotide variant.
Coding change: c.7114C>G on transcript NM_178140.4 (MANE Select); coding-DNA position 7114, C replaced by G.
Protein change: p.Arg2372Gly; replaces arginine 2372 with glycine.
Molecular consequence: missense variant.
Genome position (GRCh38, 1-based): chr5:32,090,562, C>G. VCF-style: chr5-32090562-C-G. GRCh37 (hg19) VCF-style: chr5-32090668-C-G.
Other names: c.7114C>G (NM_178140.2); short protein forms R2372G.
Identifiers: ClinVar variation 3038318 (VCV003038318.3), dbSNP rs146757034, ClinGen allele CA3220260.